The following is an entry in ClinVar:

ClinVar aggregate classification (germline): Benign/Likely benign. Review status: criteria provided, multiple submitters, no conflicts (2 of 4 stars). 4 submissions from 4 submitters: Benign (1); Likely benign (3). Last evaluated 2026-06-21.

Conditions:
COL11A1-related disorder. Also called: COL11A1-related condition; COL11A1-related disorders.

Submissions (4):

PreventionGenetics, part of Exact Sciences
Classification: Likely benign for COL11A1-related condition. Last evaluated: 2026-06-21. Review status: criteria provided, single submitter. Criteria: ACMG Guidelines, 2015. Collection method: clinical testing. Allele origin: germline.
Comment: This variant is classified as likely benign based on ACMG/AMP sequence variant interpretation guidelines (Richards et al. 2015 PMID: 25741868, with internal and published modifications).

Labcorp Genetics (formerly Invitae), Labcorp
Classification: Benign. Last evaluated: 2026-01-21. Review status: criteria provided, single submitter. Criteria: Invitae Variant Classification Sherloc (09022015). Collection method: clinical testing. Allele origin: germline.

Blueprint Genetics
Classification: Likely benign. Last evaluated: 2024-07-24. Review status: criteria provided, single submitter. Criteria: ACMG Guidelines, 2015. Collection method: clinical testing. Allele origin: germline.

ARUP Laboratories, Molecular Genetics and Genomics, ARUP Laboratories
Classification: Likely benign. Last evaluated: 2023-05-04. Review status: criteria provided, single submitter. Criteria: ARUP Molecular Germline Variant Investigation Process 2024. Collection method: clinical testing. Allele origin: germline.

NM_001854.4(COL11A1):c.1792-39ATG[12]

Gene: COL11A1 (collagen type XI alpha 1 chain; minus strand). Cytogenetic location: 1p21.1.
Variant type: Microsatellite.
Coding change: c.1792-39ATG[12] on transcript NM_001854.4 (MANE Select); 12 copies in a row of the 3-base unit ATG starting at c.1792-39; the reference has ten copies in a row; two copies, 6 bases duplicated.
Molecular consequence: intron variant.
Genome position (GRCh38, 1-based): chr1:103,005,901-103,005,906, CATCAT duplicated on the plus strand (ATGATG on the coding strand, the reverse complement: COL11A1 is on the minus strand); duplicating any 6 consecutive bases within chr1:103,005,901-103,005,932 gives the same sequence; the position shown is the placement nearest the transcript's 3' end. VCF-style (leftmost placement, unchanged base first): chr1-103005900-C-CCATCAT. GRCh37 (hg19) VCF-style: chr1-103471456-C-CCATCAT.
Other names: c.1792-15_1792-10dup6 (NM_001854.3); c.1675-39ATG[12] (NM_001190709.2); c.1828-39ATG[12] (NM_080629.3); c.1444-39ATG[12] (NM_080630.4).
Identifiers: ClinVar variation 291530 (VCV000291530.16), dbSNP rs71752747, ClinGen allele CA974805.